The following is an entry in ClinVar:

ClinVar aggregate classification (germline): Uncertain significance (1 of 4 stars; one submission).

Conditions:
RASopathy. Also called: rasopathies; Noonan spectrum disorder. Identifiers: Orphanet 536391, MedGen C5555857, MONDO:0021060.

Submission:

Labcorp Genetics (formerly Invitae), Labcorp
Classification: Uncertain significance for RASopathy. Last evaluated: 2023-10-27. Review status: criteria provided, single submitter. Criteria: Invitae Variant Classification Sherloc (09022015). Collection method: clinical testing. Allele origin: germline.
Comment: This sequence change replaces leucine, which is neutral and non-polar, with valine, which is neutral and non-polar, at codon 219 of the MAP2K2 protein (p.Leu219Val). This variant is not present in population databases (gnomAD no frequency). This variant has not been reported in the literature in individuals affected with MAP2K2-related conditions. Advanced modeling of protein sequence and biophysical properties (such as structural, functional, and spatial information, amino acid conservation, physicochemical variation, residue mobility, and thermodynamic stability) has been performed at Invitae for this missense variant, however the output from this modeling did not meet the statistical confidence thresholds required to predict the impact of this variant on MAP2K2 protein function. In summary, the available evidence is currently insufficient to determine the role of this variant in disease. Therefore, it has been classified as a Variant of Uncertain Significance.

NM_030662.4(MAP2K2):c.655C>G (p.Leu219Val)

Gene: MAP2K2 (mitogen-activated protein kinase kinase 2; minus strand). Cytogenetic location: 19p13.3.
Variant type: single nucleotide variant.
Coding change: c.655C>G on transcript NM_030662.4 (MANE Select); coding-DNA position 655, C replaced by G.
Protein change: p.Leu219Val; replaces leucine 219 with valine.
Molecular consequence: missense variant.
Genome position (GRCh38, 1-based): chr19:4,101,069, G>C on the plus strand (C>G on the coding strand, the complement: MAP2K2 is on the minus strand). VCF-style: chr19-4101069-G-C. GRCh37 (hg19) VCF-style: chr19-4101067-G-C.
Other names: short protein forms L219V.
Identifiers: ClinVar variation 2766074 (VCV002766074.3), dbSNP rs2145054082, ClinGen allele CA403388499.
Genomic context (GRCh38, chr19:4,101,069, plus strand): 5'-GGGGACTCACAGCCATGTAGGAGCGCGTGCCCACGAAGGAGTTGGCCATGGAGTCGATGA[G>C]CTGGCCGCTCACCCCGAAGTCACACAGCTTGATCTCCCCTCTAGAGTTCACGAGGATGTT-3'
Protein context (NP_109587.1, residues 209-229): KLCDFGVSGQ[Leu219Val]IDSMANSFVG